The following is an entry in ClinVar:

NM_006206.6(PDGFRA):c.1553C>T (p.Ala518Val)

Gene: PDGFRA (platelet derived growth factor receptor alpha; plus strand). Cytogenetic location: 4q12.
Variant type: single nucleotide variant.
Coding change: c.1553C>T on transcript NM_006206.6 (MANE Select); coding-DNA position 1553, C replaced by T.
Protein change: p.Ala518Val; replaces alanine 518 with valine.
Molecular consequence: missense variant.
Genome position (GRCh38, 1-based): chr4:54,273,725, C>T. VCF-style: chr4-54273725-C-T. GRCh37 (hg19) VCF-style: chr4-55139892-C-T.
Other names: c.1553C>T, p.Ala518Val (NM_001347827.2, NM_001347829.2); c.1628C>T, p.Ala543Val (NM_001347828.2); c.1592C>T, p.Ala531Val (NM_001347830.2); short protein forms A518V, A543V, A531V.
Identifiers: ClinVar variation 4741036 (VCV004741036.2).

ClinVar aggregate classification (germline): Uncertain significance. Review status: criteria provided, multiple submitters, no conflicts (2 of 4 stars). 2 submissions from 2 submitters: Uncertain significance (2). Last evaluated 2026-05-03.

Conditions:
Gastrointestinal stromal tumor. Also called: Gastrointestinal stromal tumor, somatic; Gastrointestinal stroma tumor. Identifiers: Orphanet 44890, MedGen C0238198, MeSH D046152, MONDO:0011719, OMIM 606764, HP:0100723.
Hereditary cancer-predisposing syndrome. Also called: Tumor predisposition; Hereditary Cancer Syndrome; Neoplastic Syndromes, Hereditary; Hereditary neoplastic syndrome. Identifiers: Orphanet 140162, MedGen C0027672, MeSH D009386, MONDO:0015356.

gnomAD v4.1: 1 of 1,612,604 alleles (0.000062%); highest among the groups gnomAD compares: Non-Finnish European, 0.000085%; no homozygotes.

Submissions (2):

Ambry Genetics
Classification: Uncertain significance for Hereditary cancer-predisposing syndrome. Last evaluated: 2026-05-03. Review status: criteria provided, single submitter. Criteria: Ambry Variant Classification Scheme 2023. Collection method: clinical testing. Allele origin: germline.
Comment: The p.A518V variant (also known as c.1553C>T), located in coding exon 9 of the PDGFRA gene, results from a C to T substitution at nucleotide position 1553. The alanine at codon 518 is replaced by valine, an amino acid with similar properties. This amino acid position is conserved. In addition, this alteration is predicted to be tolerated by in silico analysis. Based on the available evidence, the clinical significance of this variant remains unclear.

Labcorp Genetics (formerly Invitae), Labcorp
Classification: Uncertain significance for Gastrointestinal stromal tumor. Last evaluated: 2025-04-01. Review status: criteria provided, single submitter. Criteria: Invitae Variant Classification Sherloc (09022015). Collection method: clinical testing. Allele origin: germline.
Comment: This sequence change replaces alanine, which is neutral and non-polar, with valine, which is neutral and non-polar, at codon 518 of the PDGFRA protein (p.Ala518Val). This variant is not present in population databases (gnomAD no frequency). This variant has not been reported in the literature in individuals affected with PDGFRA-related conditions. Invitae Evidence Modeling of protein sequence and biophysical properties (such as structural, functional, and spatial information, amino acid conservation, physicochemical variation, residue mobility, and thermodynamic stability) indicates that this missense variant is not expected to disrupt PDGFRA protein function with a negative predictive value of 80%. In summary, the available evidence is currently insufficient to determine the role of this variant in disease. Therefore, it has been classified as a Variant of Uncertain Significance.